The following is an entry in ClinVar:

NM_002437.5(MPV17):c.180C>A (p.Gly60=)

Gene: MPV17 (mitochondrial inner membrane protein MPV17; minus strand). Cytogenetic location: 2p23.3.
Variant type: single nucleotide variant.
Coding change: c.180C>A on transcript NM_002437.5 (MANE Select); coding-DNA position 180, C replaced by A.
Protein change: p.Gly60=; no amino-acid change (glycine 60 retained).
Molecular consequence: synonymous variant.
Genome position (GRCh38, 1-based): chr2:27,313,000, G>T on the plus strand (C>A on the coding strand, the complement: MPV17 is on the minus strand). VCF-style: chr2-27313000-G-T. GRCh37 (hg19) VCF-style: chr2-27535867-G-T.
Other names: c.180C>A (NM_002437.4).
Identifiers: ClinVar variation 1166440 (VCV001166440.12), dbSNP rs377148388, ClinGen allele CA1575655.
Genomic context (GRCh38, chr2:27,313,000, plus strand): 5'-AAGAACTAAGACCACTGTTGAGTCCACTGAAGCCCTGTTGAGGGGAGAACTTACCACAAA[G>T]CCACAGCCCAGGGACACCATGGTCAGAGTCCGGCCTCTCTGGTGTTCCTGCAGACCCCGC-3'
Protein context (NP_002428.1, residues 50-70): RTLTMVSLGC[Gly60=]FVGPVVGGWY

ClinVar aggregate classification (germline): Benign/Likely benign. Review status: criteria provided, multiple submitters, no conflicts (2 of 4 stars). 4 submissions from 4 submitters: Benign (1); Likely benign (2). 1 of the submissions does not count toward it. Last evaluated 2025-10-21.

Conditions:
MPV17-related disorder. Also called: MPV17-related disorders; MPV17-related condition. Identifiers: MedGen CN239328.
Charcot-Marie-Tooth disease, axonal, type 2EE. Also called: CHARCOT-MARIE-TOOTH NEUROPATHY, TYPE 2EE. Identifiers: MedGen C5193076, MONDO:0032728, OMIM 618400.
Mitochondrial DNA depletion syndrome 6 (hepatocerebral type). Also called: Navajo neurohepatopathy; NAVAJO NEUROPATHY; Mitochondrial DNA depletion syndrome type 6. Identifiers: Orphanet 255229, MedGen C1850406, MONDO:0009747, OMIM 256810.

Allele frequency attached by ClinVar (database versions not stated): TOPMed 0.00002; ESP Exome Variant Server 0.00008; 1000 Genomes Project 30x 0.00016; 1000 Genomes Project 0.00020; gnomAD exomes 0.00024 and 0.00055; gnomAD 0.00033 and 0.00036; ExAC 0.00046.
gnomAD v4.1: 418 of 1,614,196 alleles (0.026%); highest among the groups gnomAD compares: Non-Finnish European, 0.012%; no homozygotes.

Submissions (4):

Labcorp Genetics (formerly Invitae), Labcorp
Classification: Benign. Last evaluated: 2025-10-21. Review status: criteria provided, single submitter. Criteria: Invitae Variant Classification Sherloc (09022015). Collection method: clinical testing. Allele origin: germline.

Blueprint Genetics
Classification: Likely benign. Last evaluated: 2023-09-12. Review status: criteria provided, single submitter. Criteria: ACMG Guidelines, 2015. Collection method: clinical testing. Allele origin: germline.

Fulgent Genetics
Classification: Likely benign for Mitochondrial DNA depletion syndrome 6 (hepatocerebral type); Charcot-Marie-Tooth disease, axonal, type 2EE. Last evaluated: 2021-10-26. Review status: criteria provided, single submitter. Criteria: ACMG Guidelines, 2015. Collection method: clinical testing. Allele origin: unknown.

PreventionGenetics, part of Exact Sciences
Classification: Likely benign for MPV17-related condition. Last evaluated: 2024-08-30. Review status: no assertion criteria provided. Collection method: clinical testing. Allele origin: germline. Not counted in ClinVar's aggregate classification.
Comment: This variant is classified as likely benign based on ACMG/AMP sequence variant interpretation guidelines (Richards et al. 2015 PMID: 25741868, with internal and published modifications).